The following is an entry in ClinVar:

ClinVar aggregate classification (germline): Uncertain significance (1 of 4 stars; one submission).

Allele frequency attached by ClinVar (database versions not stated): TOPMed below 0.00001.
gnomAD v4.1: 3 of 1,614,136 alleles (0.00019%); no homozygotes.

Submission:

Labcorp Genetics (formerly Invitae), Labcorp
Classification: Uncertain significance. Last evaluated: 2026-01-05. Review status: criteria provided, single submitter. Criteria: Invitae Variant Classification Sherloc (09022015). Collection method: clinical testing. Allele origin: germline.
Comment: This sequence change replaces proline, which is neutral and non-polar, with alanine, which is neutral and non-polar, at codon 117 of the TFRC protein (p.Pro117Ala). This variant is not present in population databases (gnomAD no frequency). This variant has not been reported in the literature in individuals affected with TFRC-related conditions. ClinVar contains an entry for this variant (Variation ID: 1521258). Invitae Evidence Modeling of protein sequence and biophysical properties (such as structural, functional, and spatial information, amino acid conservation, physicochemical variation, residue mobility, and thermodynamic stability) indicates that this missense variant is not expected to disrupt TFRC protein function with a negative predictive value of 80%. In summary, the available evidence is currently insufficient to determine the role of this variant in disease. Therefore, it has been classified as a Variant of Uncertain Significance.

NM_001128148.3(TFRC):c.349C>G (p.Pro117Ala)

Gene: TFRC (transferrin receptor; minus strand). Cytogenetic location: 3q29.
Variant type: single nucleotide variant.
Coding change: c.349C>G on transcript NM_001128148.3 (MANE Select); coding-DNA position 349, C replaced by G.
Protein change: p.Pro117Ala; replaces proline 117 with alanine.
Molecular consequence: missense variant. On other transcripts: intron variant (1).
Genome position (GRCh38, 1-based): chr3:196,074,015, G>C on the plus strand (C>G on the coding strand, the complement: TFRC is on the minus strand). VCF-style: chr3-196074015-G-C. GRCh37 (hg19) VCF-style: chr3-195800886-G-C.
Other names: c.106C>G, p.Pro36Ala (NM_001313965.2); c.349C>G, p.Pro117Ala (NM_003234.4); c.-412-1863C>G (NM_001313966.2); short protein forms P117A, P36A.
Identifiers: ClinVar variation 1521258 (VCV001521258.6), dbSNP rs1406331744, ClinGen allele CA355578035.